The following is an entry in ClinVar:

ClinVar aggregate classification (germline): Uncertain significance (1 of 4 stars; one submission).

Conditions:
Senior-Loken syndrome 8 (SLSN8). Identifiers: Orphanet 3156, MedGen C4225376, MONDO:0014579, OMIM 616307.
Asphyxiating thoracic dystrophy 5 (SRTD5). Also called: SHORT-RIB THORACIC DYSPLASIA 5 WITH OR WITHOUT POLYDACTYLY; SHORT-RIB THORACIC DYSPLASIA 5 WITHOUT POLYDACTYLY. Identifiers: Orphanet 474, MedGen C3280598, MONDO:0013717, OMIM 614376.

Submission:

Labcorp Genetics (formerly Invitae), Labcorp
Classification: Uncertain significance for Senior-Loken syndrome 8; Asphyxiating thoracic dystrophy 5. Last evaluated: 2024-09-26. Review status: criteria provided, single submitter. Criteria: Invitae Variant Classification Sherloc (09022015). Collection method: clinical testing. Allele origin: germline.
Comment: This sequence change replaces aspartic acid, which is acidic and polar, with glycine, which is neutral and non-polar, at codon 577 of the WDR19 protein (p.Asp577Gly). This variant is present in population databases (no rsID available, gnomAD 0.0009%). This variant has not been reported in the literature in individuals affected with WDR19-related conditions. ClinVar contains an entry for this variant (Variation ID: 2193813). Invitae Evidence Modeling of protein sequence and biophysical properties (such as structural, functional, and spatial information, amino acid conservation, physicochemical variation, residue mobility, and thermodynamic stability) has been performed for this missense variant. However, the output from this modeling did not meet the statistical confidence thresholds required to predict the impact of this variant on WDR19 protein function. In summary, the available evidence is currently insufficient to determine the role of this variant in disease. Therefore, it has been classified as a Variant of Uncertain Significance.

NM_025132.4(WDR19):c.1730A>G (p.Asp577Gly)

Gene: WDR19 (WD repeat domain 19; plus strand). Cytogenetic location: 4p14.
Variant type: single nucleotide variant.
Coding change: c.1730A>G on transcript NM_025132.4 (MANE Select); coding-DNA position 1730, A replaced by G.
Protein change: p.Asp577Gly; replaces aspartic acid 577 with glycine.
Molecular consequence: missense variant.
Genome position (GRCh38, 1-based): chr4:39,228,310, A>G. VCF-style: chr4-39228310-A-G. GRCh37 (hg19) VCF-style: chr4-39229930-A-G.
Other names: c.1250A>G, p.Asp417Gly (NM_001317924.2); short protein forms D417G, D577G.
Identifiers: ClinVar variation 2193813 (VCV002193813.4), dbSNP rs1237070636, ClinGen allele CA356632774.
Genomic context (GRCh38, chr4:39,228,310, plus strand): 5'-CCATTAAAGGTGTTCTTTGGGAAAACTGGCCAATGGATAAAGGTGTATTTATTGCTTATG[A>G]TGATGATAAGGTGTACACTTATGTCTTTCACAAGGACACTATACAAGGTACTAAACCCCT-3'
Protein context (NP_079408.3, residues 567-587): PMDKGVFIAY[Asp577Gly]DDKVYTYVFH